The following is an entry in ClinVar:

ClinVar aggregate classification (germline): Likely benign. Review status: criteria provided, single submitter (1 of 4 stars). 2 submissions from 2 submitters: Likely benign (1). 1 of the submissions does not count toward it. Last evaluated 2023-08-28.

Conditions:
MED17-related disorder. Also called: MED17-related condition.

Allele frequency attached by ClinVar (database versions not stated): ExAC 0.00001; gnomAD 0.00001; gnomAD exomes 0.00001; TOPMed 0.00001.
gnomAD v4.1: 17 of 1,614,034 alleles (0.0011%); highest among the groups gnomAD compares: Non-Finnish European, 0.0014%; no homozygotes.

Submissions (2):

Labcorp Genetics (formerly Invitae), Labcorp
Classification: Likely benign. Last evaluated: 2023-08-28. Review status: criteria provided, single submitter. Criteria: Invitae Variant Classification Sherloc (09022015). Collection method: clinical testing. Allele origin: germline.

PreventionGenetics, part of Exact Sciences
Classification: Likely benign for MED17-related condition. Last evaluated: 2024-07-23. Review status: no assertion criteria provided. Collection method: clinical testing. Allele origin: germline. Not counted in ClinVar's aggregate classification.
Comment: This variant is classified as likely benign based on ACMG/AMP sequence variant interpretation guidelines (Richards et al. 2015 PMID: 25741868, with internal and published modifications).

NM_004268.5(MED17):c.1585-10T>C

Gene: MED17 (mediator complex subunit 17; plus strand). Cytogenetic location: 11q21.
Variant type: single nucleotide variant.
Coding change: c.1585-10T>C on transcript NM_004268.5 (MANE Select); 10 bases into the intron before coding-DNA position 1585, T replaced by C.
Molecular consequence: intron variant.
Genome position (GRCh38, 1-based): chr11:93,809,707, T>C. VCF-style: chr11-93809707-T-C. GRCh37 (hg19) VCF-style: chr11-93542873-T-C.
Other names: c.1585-10T>C (NM_004268.4).
Identifiers: ClinVar variation 1119438 (VCV001119438.10), dbSNP rs759268020, ClinGen allele CA6232670.
Genomic context (GRCh38, chr11:93,809,707, plus strand): 5'-ATGGTCGTGATGTTAAGTCACTGCAGATATCTCTGCTGACTGTCAGTCAAGTGTCCTTTT[T>C]CATTCACAGATGTCACAGCACCAGGTACATGCAGTTCAGCAACTCGCCAAGGTTATGGGC-3'